The following is an entry in ClinVar:

NM_000059.4(BRCA2):c.7806-2150T>A

Gene: BRCA2 (BRCA2 DNA repair associated; plus strand). Cytogenetic location: 13q13.1.
Variant type: single nucleotide variant.
Coding change: c.7806-2150T>A on transcript NM_000059.4 (MANE Select); 2150 bases into the intron before coding-DNA position 7806, T replaced by A.
Molecular consequence: intron variant.
Genome position (GRCh38, 1-based): chr13:32,360,373, T>A. VCF-style: chr13-32360373-T-A. GRCh37 (hg19) VCF-style: chr13-32934510-T-A.
Other names: IVS 16-2150T>A.
Identifiers: ClinVar variation 209767 (VCV000209767.1), dbSNP rs11571712, ClinGen allele CA276735.

ClinVar aggregate classification (germline): Benign (3 of 4 stars; one submission).

Conditions:
Breast-ovarian cancer, familial, susceptibility to, 2 (BROVCA2). Also called: BRCA2 Hereditary Breast and Ovarian Cancer. Identifiers: Orphanet 145, MedGen C2675520, MONDO:0012933, OMIM 612555. Disease mechanism: loss of function.

Allele frequency attached by ClinVar (database versions not stated): 1000 Genomes Project 0.01178; gnomAD 0.01220 and 0.01324; 1000 Genomes Project 30x 0.01234; TOPMed 0.01377.

Submission:

Evidence-based Network for the Interpretation of Germline Mutant Alleles (ENIGMA)
Classification: Benign for Breast-ovarian cancer, familial 2. Last evaluated: 2015-01-12. Review status: reviewed by expert panel. Criteria: ENIGMA BRCA1/2 Classification Criteria (2015). Collection method: curation. Allele origin: germline.
Comment: Class 1 not pathogenic based on frequency >1% in an outbred sampleset. Frequency 0.03659 (African), derived from 1000 genomes (2012-04-30).